The following is an entry in ClinVar:

ClinVar aggregate classification (germline): Uncertain significance (1 of 4 stars; one submission).

Submission:

GeneDx
Classification: Uncertain significance. Last evaluated: 2024-06-07. Review status: criteria provided, single submitter. Criteria: GeneDx Variant Classification Process June 2021. Collection method: clinical testing. Allele origin: germline. Affected: yes.
Comment: Not observed at significant frequency in large population cohorts (gnomAD); In silico analysis supports that this missense variant has a deleterious effect on protein structure/function; Has not been previously published as pathogenic or benign to our knowledge

NM_001003694.2(BRPF1):c.1026G>T (p.Gln342His)

Gene: BRPF1 (bromodomain and PHD finger containing 1; plus strand). Cytogenetic location: 3p25.3.
Variant type: single nucleotide variant.
Coding change: c.1026G>T on transcript NM_001003694.2 (MANE Select); coding-DNA position 1026, G replaced by T.
Protein change: p.Gln342His; replaces glutamine 342 with histidine.
Molecular consequence: missense variant. On other transcripts: non-coding transcript variant (1).
Genome position (GRCh38, 1-based): chr3:9,739,425, G>T. VCF-style: chr3-9739425-G-T. GRCh37 (hg19) VCF-style: chr3-9781109-G-T.
Other names: c.1026G>T, p.Gln342His (NM_001319049.2, NM_001319050.2, NM_001410704.1 and 1 more transcripts); short protein forms Q342H.
Identifiers: ClinVar variation 3384319 (VCV003384319.1).
Genomic context (GRCh38, chr3:9,739,425, plus strand): 5'-GTCACCCTCTCGTGCTGTGGATTGTGCCCTGTGCCCCAACAAGGGCGGTGCCTTCAAGCA[G>T]ACAGATGACGGGCGCTGGGCCCATGTGGTGTGTGCCTTGTGGATCCCTGAGGTCTGCTTC-3'
Protein context (NP_001003694.1, residues 332-352): LCPNKGGAFK[Gln342His]TDDGRWAHVV